The following is an entry in ClinVar:

ClinVar aggregate classification (germline): Likely pathogenic (1 of 4 stars; one submission).

Conditions:
Gnathodiaphyseal dysplasia (GDD). Also called: GNATHODIAPHYSEAL SCLEROSIS; OSTEOGENESIS IMPERFECTA WITH UNUSUAL SKELETAL LESIONS. Identifiers: Orphanet 53697, MedGen C1833736, MONDO:0008151, OMIM 166260.
Autosomal recessive limb-girdle muscular dystrophy type 2L (LGMDR12). Also called: Limb-girdle muscular dystrophy, type 2L; MUSCULAR DYSTROPHY, LIMB-GIRDLE, AUTOSOMAL RECESSIVE 12; Limb-Girdle Muscular Dystrophy R12 Anoctamin-5-Related (LGMD-R12). Identifiers: Orphanet 206549, MedGen C1969785, MONDO:0012652, OMIM 611307.

Allele frequency attached by ClinVar (database versions not stated): TOPMed below 0.00001; gnomAD 0.00001.
gnomAD v4.1: 1 of 1,613,138 alleles (0.000062%); highest among the groups gnomAD compares: African/African-American, 0.0013%; no homozygotes.

Submission:

Labcorp Genetics (formerly Invitae), Labcorp
Classification: Likely pathogenic for Autosomal recessive limb-girdle muscular dystrophy type 2L; Gnathodiaphyseal dysplasia. Last evaluated: 2021-05-17. Review status: criteria provided, single submitter. Criteria: Invitae Variant Classification Sherloc (09022015). Collection method: clinical testing. Allele origin: germline.
Comment: In summary, the currently available evidence indicates that the variant is pathogenic, but additional data are needed to prove that conclusively. Therefore, this variant has been classified as Likely Pathogenic. Algorithms developed to predict the effect of sequence changes on RNA splicing suggest that this variant may disrupt the consensus splice site, but this prediction has not been confirmed by published transcriptional studies. Disruption of this splice site has been observed in individual(s) with clinical features of autosomal recessive ANO5-related conditions (PMID: 23606453). This variant is not present in population databases (ExAC no frequency). This sequence change affects an acceptor splice site in intron 18 of the ANO5 gene. It is expected to disrupt RNA splicing. Variants that disrupt the donor or acceptor splice site typically lead to a loss of protein function (PMID: 16199547), and loss-of-function variants in ANO5 are known to be pathogenic (PMID: 21186264, 23606453, 25891276, 30919934).

Literature cited by the submitters: PubMed 23606453; PubMed 16199547; PubMed 21186264; PubMed 25891276; PubMed 30919934.

NM_213599.3(ANO5):c.2030-2A>T

Gene: ANO5 (anoctamin 5; plus strand). Cytogenetic location: 11p14.3.
Variant type: single nucleotide variant.
Coding change: c.2030-2A>T on transcript NM_213599.3 (MANE Select); the canonical splice acceptor site of the intron before coding-DNA position 2030, A replaced by T.
Molecular consequence: splice acceptor variant.
Genome position (GRCh38, 1-based): chr11:22,272,782, A>T. VCF-style: chr11-22272782-A-T. GRCh37 (hg19) VCF-style: chr11-22294328-A-T.
Other names: c.1988-2A>T (NM_001410963.1); c.2027-2A>T (NM_001142649.2); c.1985-2A>T (NM_001410964.1).
Identifiers: ClinVar variation 1499176 (VCV001499176.8), dbSNP rs1187569251, ClinGen allele CA379923529.